The following is an entry in ClinVar:

NM_006796.3(AFG3L2):c.245del (p.Asn82fs)

Gene: AFG3L2 (AFG3 like matrix AAA peptidase subunit 2; minus strand). Cytogenetic location: 18p11.21.
Variant type: Deletion.
Coding change: c.245del on transcript NM_006796.3 (MANE Select); coding-DNA position 245, one base deleted (A; older notation c.245delA).
Protein change: p.Asn82fs; shifts the reading frame from asparagine 82.
Molecular consequence: frameshift variant.
Genome position (GRCh38, 1-based): chr18:12,370,896, T deleted on the plus strand (A on the coding strand, the reverse complement: AFG3L2 is on the minus strand); the first of 6 consecutive T bases (chr18:12,370,896-12,370,901); deleting any one gives the same sequence. VCF-style (leftmost placement, unchanged base first): chr18-12370895-AT-A. GRCh37 (hg19) VCF-style: chr18-12370894-AT-A.
Other names: short protein forms N82fs.
Identifiers: ClinVar variation 5003168 (VCV005003168.1).

ClinVar aggregate classification (germline): Likely pathogenic (1 of 4 stars; one submission).

Conditions:
Optic atrophy 12. Also called: Optic Atrophy Type 12 (OPA12). Identifiers: MedGen C5436534, MONDO:0033549, OMIM 618977.

Submission:

OLLIN Analises Genomicas, OLLIN
Classification: Likely pathogenic for Optic atrophy 12. Last evaluated: 2026-08-06. Review status: criteria provided, single submitter. Criteria: ACMG Guidelines 2015 PMID 25741868. Collection method: clinical testing. Allele origin: germline. Inheritance: Autosomal dominant inheritance.
Comment: This frameshift variant, located in exon 3 (of 17), has been observed in gnomAD with an allele frequency of 0.000062%, but has not been reported in ClinVar or identified in the literature. This variant causes a frameshift and introduces a premature stop codon, which is predicted to result in either a truncated protein or degradation of the mRNA via nonsense-mediated decay (NMD). According to the currently available evidence, this variant has been classified as likely pathogenic (PVS1, PM2_P).